The following is an entry in ClinVar:

NM_000744.7(CHRNA4):c.384-177T>C

Gene: CHRNA4 (cholinergic receptor nicotinic alpha 4 subunit; minus strand). Cytogenetic location: 20q13.33.
Variant type: single nucleotide variant.
Coding change: c.384-177T>C on transcript NM_000744.7 (MANE Select); 177 bases into the intron before coding-DNA position 384, T replaced by C.
Molecular consequence: intron variant.
Genome position (GRCh38, 1-based): chr20:63,351,204, A>G on the plus strand (T>C on the coding strand, the complement: CHRNA4 is on the minus strand). VCF-style: chr20-63351204-A-G. GRCh37 (hg19) VCF-style: chr20-61982556-A-G.
Other names: c.-145-177T>C (NM_001256573.2).
Identifiers: ClinVar variation 679136 (VCV000679136.1), dbSNP rs77439870, ClinGen allele CA317436878.

ClinVar aggregate classification (germline): Benign (1 of 4 stars; one submission).

Allele frequency attached by ClinVar (database versions not stated): gnomAD 0.73657.

Submission:

GeneDx
Classification: Benign. Last evaluated: 2018-06-18. Review status: criteria provided, single submitter. Criteria: GeneDx Variant Classification (06012015). Collection method: clinical testing. Allele origin: germline. Affected: yes.
Comment: This variant is considered likely benign or benign based on one or more of the following criteria: it is a conservative change, it occurs at a poorly conserved position in the protein, it is predicted to be benign by multiple in silico algorithms, and/or has population frequency not consistent with disease.